The following is an entry in ClinVar:

ClinVar aggregate classification (germline): Uncertain significance (1 of 4 stars; one submission).

Conditions:
Inborn genetic diseases. Identifiers: MedGen C0950123, MeSH D030342.

Submission:

Ambry Genetics
Classification: Uncertain significance for Inborn genetic diseases. Last evaluated: 2025-12-09. Review status: criteria provided, single submitter. Criteria: Ambry Variant Classification Scheme 2023. Collection method: clinical testing. Allele origin: germline.
Comment: The p.Y94H variant (also known as c.280T>C), located in coding exon 1 of the FANCM gene, results from a T to C substitution at nucleotide position 280. The tyrosine at codon 94 is replaced by histidine, an amino acid with similar properties. This amino acid position is conserved. In addition, this alteration is predicted to be deleterious by in silico analysis. Based on the available evidence, the clinical significance of this variant remains unclear.

NM_020937.4(FANCM):c.280T>C (p.Tyr94His)

Gene: FANCM (FA complementation group M; plus strand). Cytogenetic location: 14q21.2.
Variant type: single nucleotide variant.
Coding change: c.280T>C on transcript NM_020937.4 (MANE Select); coding-DNA position 280, T replaced by C.
Protein change: p.Tyr94His; replaces tyrosine 94 with histidine.
Molecular consequence: missense variant.
Genome position (GRCh38, 1-based): chr14:45,136,311, T>C. VCF-style: chr14-45136311-T-C. GRCh37 (hg19) VCF-style: chr14-45605514-T-C.
Other names: c.280T>C, p.Tyr94His (NM_001308133.2, NM_001308134.2); short protein forms Y94H.
Identifiers: ClinVar variation 4619634 (VCV004619634.1).
Genomic context (GRCh38, chr14:45,136,311, plus strand): 5'-GGGTTCTGCACCTCCGCGGGCGCCCTGTGGATTTACCCTACCAATTGCCCAGTGCGGGAC[T>C]ACCAGCTGCACATTTCCCGGGCTGCTCTGTTTTGCAATACGCTGGTGTGTCTGCCTACCG-3'
Protein context (NP_065988.1, residues 84-104): IYPTNCPVRD[Tyr94His]QLHISRAALF